The following is an entry in ClinVar:

NM_000500.9(CYP21A2):c.380C>T (p.Ala127Val)

Genes: CYP21A2 (cytochrome P450 family 21 subfamily A member 2; plus strand), LOC106780800 (CYP21A2 recombination region; plus strand). Cytogenetic location: 6p21.33.
Variant type: single nucleotide variant.
Coding change: c.380C>T on transcript NM_000500.9 (MANE Select); coding-DNA position 380, C replaced by T.
Protein change: p.Ala127Val; replaces alanine 127 with valine.
Molecular consequence: missense variant. On other transcripts: 5 prime UTR variant (2).
Genome position (GRCh38, 1-based): chr6:32,039,181, C>T. VCF-style: chr6-32039181-C-T. GRCh37 (hg19) VCF-style: chr6-32006958-C-T.
Other names: c.290C>T, p.Ala97Val (NM_001128590.4); c.-26C>T (NM_001368143.2, NM_001368144.2); short protein forms A127V, A97V.
Identifiers: ClinVar variation 4995809 (VCV004995809.1).

ClinVar aggregate classification (germline): Uncertain significance (1 of 4 stars; one submission).

Conditions:
CYP21A2-related disorder. Also called: CYP21A2-related condition.

gnomAD v4.1: 1 of 1,605,008 alleles (0.000062%); highest among the groups gnomAD compares: East Asian, 0.0022%; no homozygotes.

Submission:

PreventionGenetics, part of Exact Sciences
Classification: Uncertain significance for CYP21A2-related condition. Last evaluated: 2026-09-18. Review status: criteria provided, single submitter. Criteria: ACMG Guidelines, 2015. Collection method: clinical testing. Allele origin: germline.
Comment: The CYP21A2 c.380C>T variant is predicted to result in the amino acid substitution p.Ala127Val. To our knowledge, this variant has not been reported in the literature or in a large population database (gnomAD), indicating this variant is rare. This variant falls within a highly paralogous region. Allele frequency data should be interpreted with caution. At this time, the clinical significance of this variant is uncertain due to the absence of conclusive functional and genetic evidence.